The following is an entry in ClinVar:

NM_000138.5(FBN1):c.5729G>T (p.Gly1910Val)

Gene: FBN1 (fibrillin 1; minus strand). Cytogenetic location: 15q21.1.
Variant type: single nucleotide variant.
Coding change: c.5729G>T on transcript NM_000138.5 (MANE Select); coding-DNA position 5729, G replaced by T.
Protein change: p.Gly1910Val; replaces glycine 1910 with valine.
Molecular consequence: missense variant.
Genome position (GRCh38, 1-based): chr15:48,446,765, C>A on the plus strand (G>T on the coding strand, the complement: FBN1 is on the minus strand). VCF-style: chr15-48446765-C-A. GRCh37 (hg19) VCF-style: chr15-48738962-C-A.
Other names: c.5729G>T, p.Gly1910Val (NM_001406716.1); short protein forms G1910V.
Identifiers: ClinVar variation 2137685 (VCV002137685.6), dbSNP rs1566898786, ClinGen allele CA392341250.

ClinVar aggregate classification (germline): Pathogenic. Review status: criteria provided, multiple submitters, no conflicts (2 of 4 stars). 3 submissions from 3 submitters: Pathogenic (3). Last evaluated 2023-10-13.

Conditions:
Marfan syndrome (MFS). Also called: MARFAN SYNDROME, TYPE I; Marfan syndrome type 1; Marfan's syndrome; Marfan syndrome, classic; FBN1-Related Marfan Syndrome. Identifiers: Orphanet 284963, Orphanet 558, MedGen C0024796, MONDO:0007947, OMIM 154700.
Familial thoracic aortic aneurysm and aortic dissection (TAAD). Also called: Thoracic aortic aneurysms and dissections. Identifiers: Orphanet 91387, MedGen C4707243, MONDO:0019625.

Submissions (3):

Labcorp Genetics (formerly Invitae), Labcorp
Classification: Pathogenic for Marfan syndrome; Familial thoracic aortic aneurysm and aortic dissection. Last evaluated: 2023-10-13. Review status: criteria provided, single submitter. Criteria: Invitae Variant Classification Sherloc (09022015). Collection method: clinical testing. Allele origin: germline.
Comment: This sequence change replaces glycine, which is neutral and non-polar, with valine, which is neutral and non-polar, at codon 1910 of the FBN1 protein (p.Gly1910Val). This variant is not present in population databases (gnomAD no frequency). This missense change has been observed in individual(s) with Marfan syndrome (PMID: 10189222; Invitae). In at least one individual the variant was observed to be de novo. ClinVar contains an entry for this variant (Variation ID: 2137685). Advanced modeling of protein sequence and biophysical properties (such as structural, functional, and spatial information, amino acid conservation, physicochemical variation, residue mobility, and thermodynamic stability) performed at Invitae indicates that this missense variant is expected to disrupt FBN1 protein function. For these reasons, this variant has been classified as Pathogenic.

Center for Genomics, Ann and Robert H. Lurie Children's Hospital of Chicago
Classification: Pathogenic for Marfan syndrome. Last evaluated: 2023-09-29. Review status: criteria provided, single submitter. Criteria: ACMG Guidelines, 2015. Collection method: clinical testing. Allele origin: de novo.
Comment: This variant has been reported in the literature in 1 individual with a clinical diagnosis of Marfan syndrome, segregating with disease in at least 1 similarly affected family member (Perez 1999 PMID: 10189222). The variant has also been identified by an external laboratory as de novo in an individual with aortic dilation and other features suggestive of Marfan syndrome (ClinVar Variation ID: 2137685; personal communication). It is not present in gnomAD. This variant alters a conserved glycine residue that is thought to be important for interdomain packaging of the encoded fibrillin-1 protein, potentially impacting proper protein folding (Jensen 2012 PMID: 22325771). Evolutionary conservation and computational prediction tools support that it is likely to impact protein structure or function. In summary, data on this variant is highly suspicious for disease, but requires further evidence for pathogenicity. Therefore, it is classified as likely pathogenic.

Clinical Genetics Service, Universitary Hospital 12 de Octubre
Classification: Pathogenic for Marfan syndrome. Review status: criteria provided, single submitter. Criteria: ACMG Guidelines, 2015. Collection method: clinical testing. Allele origin: de novo. Affected: yes.

Literature cited by the submitters: PubMed 10189222 (cited by Labcorp Genetics (formerly Invitae), Labcorp and Center for Genomics, Ann and Robert H. Lurie Children's Hospital of Chicago); PubMed 22325771 (cited by Center for Genomics, Ann and Robert H. Lurie Children's Hospital of Chicago).